The following is an entry in ClinVar:

NM_032575.3(GLIS2):c.476C>T (p.Ser159Leu)

Gene: GLIS2 (GLIS family zinc finger 2; plus strand). Cytogenetic location: 16p13.3.
Variant type: single nucleotide variant.
Coding change: c.476C>T on transcript NM_032575.3 (MANE Select); coding-DNA position 476, C replaced by T.
Protein change: p.Ser159Leu; replaces serine 159 with leucine.
Molecular consequence: missense variant.
Genome position (GRCh38, 1-based): chr16:4,334,931, C>T. VCF-style: chr16-4334931-C-T. GRCh37 (hg19) VCF-style: chr16-4384932-C-T.
Other names: c.476C>T, p.Ser159Leu (NM_001318918.2); short protein forms S159L.
Identifiers: ClinVar variation 885387 (VCV000885387.12), dbSNP rs374332556, ClinGen allele CA7873007.

ClinVar aggregate classification (germline): Uncertain significance. Review status: criteria provided, multiple submitters, no conflicts (2 of 4 stars). 4 submissions from 4 submitters: Uncertain significance (4). Last evaluated 2025-04-08.

Conditions:
Nephronophthisis. Also called: Juvenile Nephronophthisis. Identifiers: Orphanet 655, MedGen C0687120, MONDO:0019005, HP:0000090.
Nephronophthisis 7 (NPHP7). Identifiers: Orphanet 655, MedGen C1969092, MONDO:0012680, OMIM 611498.

Allele frequency attached by ClinVar (database versions not stated): gnomAD 0.00006 and 0.00007; gnomAD exomes 0.00006 and 0.00012; TOPMed 0.00006; ExAC 0.00007; ESP Exome Variant Server 0.00023.
gnomAD v4.1: 190 of 1,613,018 alleles (0.012%); highest among the groups gnomAD compares: Non-Finnish European, 0.014%; no homozygotes.

Submissions (4):

Ambry Genetics
Classification: Uncertain significance. Last evaluated: 2025-04-08. Review status: criteria provided, single submitter. Criteria: Ambry Variant Classification Scheme 2023. Collection method: clinical testing. Allele origin: germline.

Fulgent Genetics
Classification: Uncertain significance for Nephronophthisis 7. Last evaluated: 2024-05-29. Review status: criteria provided, single submitter. Criteria: ACMG Guidelines, 2015. Collection method: clinical testing. Allele origin: germline.

Labcorp Genetics (formerly Invitae), Labcorp
Classification: Uncertain significance for Nephronophthisis. Last evaluated: 2022-02-09. Review status: criteria provided, single submitter. Criteria: Invitae Variant Classification Sherloc (09022015). Collection method: clinical testing. Allele origin: germline.
Comment: This sequence change replaces serine, which is neutral and polar, with leucine, which is neutral and non-polar, at codon 159 of the GLIS2 protein (p.Ser159Leu). This variant is present in population databases (rs374332556, gnomAD 0.01%). This variant has not been reported in the literature in individuals affected with GLIS2-related conditions. ClinVar contains an entry for this variant (Variation ID: 885387). Algorithms developed to predict the effect of missense changes on protein structure and function are either unavailable or do not agree on the potential impact of this missense change (SIFT: "Deleterious"; PolyPhen-2: "Probably Damaging"; Align-GVGD: "Class C0"). In summary, the available evidence is currently insufficient to determine the role of this variant in disease. Therefore, it has been classified as a Variant of Uncertain Significance.

Illumina Laboratory Services, Illumina
Classification: Uncertain significance for Nephronophthisis 7. Last evaluated: 2018-01-13. Review status: criteria provided, single submitter. Criteria: ICSL Variant Classification Criteria 13 December 2019. Collection method: clinical testing. Allele origin: germline.